The following is an entry in ClinVar:

NC_000022.11:g.40345856C>T

Gene: ADSL (adenylosuccinate lyase; plus strand). Cytogenetic location: 22q13.1.
Variant type: single nucleotide variant.
Genome position: GRCh38 VCF-style: chr22-40345856-C-T. GRCh37 (hg19) VCF-style: chr22-40741860-C-T.
Identifiers: ClinVar variation 2008380 (VCV002008380.4), dbSNP rs2518074727, ClinGen allele CA2580099785.

ClinVar aggregate classification (germline): Uncertain significance (1 of 4 stars; one submission).

Conditions:
Adenylosuccinate lyase deficiency (ADSLD). Also called: ADSL DEFICIENCY. Identifiers: Orphanet 46, MedGen C0268126, MONDO:0007068, OMIM 103050.

Submission:

Labcorp Genetics (formerly Invitae), Labcorp
Classification: Uncertain significance for Adenylosuccinate lyase deficiency. Last evaluated: 2023-05-15. Review status: criteria provided, single submitter. Criteria: Invitae Variant Classification Sherloc (09022015). Collection method: clinical testing. Allele origin: germline.
Comment: Experimental studies and prediction algorithms are not available or were not evaluated, and the functional significance of this variant is currently unknown. In summary, the available evidence is currently insufficient to determine the role of this variant in disease. Therefore, it has been classified as a Variant of Uncertain Significance. This variant has not been reported in the literature in individuals affected with ADSL-related conditions. This variant is not present in population databases (gnomAD no frequency). This variant occurs in a non-coding region of the ADSL gene. It does not change the encoded amino acid sequence of the ADSL protein.